The following is an entry in ClinVar:

ClinVar aggregate classification (germline): not provided (0 of 4 stars; one submission).

Conditions:
Normal pregnancy. Identifiers: MedGen C0232989.

Submission:

Institute of Molecular and Cell Biology, University of Tartu
No classification provided. Condition: Normal pregnancy. Review status: no classification provided. Collection method: case-control. Allele origin: unknown. Affected: yes. Study: Kasak2014.
Comment: The study aimed to determine the contribution of copy number variants in the genetic etiology of normal and complicated pregnancies. The samples represented (i) maternal blood DNA drawn from healthy pregnant women during 1st or 2nd trimester and (ii) maternal and paternal blood DNA drawn at term pregnancy cases representing normal and complicated gestations (severe preeclampsia, PE; gestational diabetes, GD; small-for-gestational age newborn, SGA; large-for-gestational age newborn, LGA). We performed CNV calling based on genome-wide genotyping dataset (Illumina HumanOmniExpress-24-v1 BeadChip) by applying three algorithms, QuantiSNP, GADA (Genome Alteration Detection Algorithm) and CNstream in parallel. The acquired CNV calls were merged with HD-CNV (Hotspot Detector for Copy Number Variants) program and only the CNVs predicted by at least two programs, were considered in subsequent analysis.

Literature cited by the submitters: PubMed 25666259.

NM_001286725.1(KLHL1):c.498-42937_498-30292del

Gene: KLHL1 (kelch like family member 1; minus strand). Cytogenetic location: 13q21.33.
Variant type: Deletion.
Coding change: c.498-42937_498-30292del on transcript NM_001286725.1; 42937 bases into the intron before coding-DNA position 498 through 30292 bases into the intron before coding-DNA position 498, this stretch deleted.
Identifiers: ClinVar variation 157282 (VCV000157282.2).